The following is an entry in ClinVar:

NM_000388.4(CASR):c.2930T>G (p.Leu977Arg)

Gene: CASR (calcium sensing receptor; plus strand). Cytogenetic location: 3q21.1.
Variant type: single nucleotide variant.
Coding change: c.2930T>G on transcript NM_000388.4 (MANE Select); coding-DNA position 2930, T replaced by G.
Protein change: p.Leu977Arg; replaces leucine 977 with arginine.
Molecular consequence: missense variant.
Genome position (GRCh38, 1-based): chr3:122,284,884, T>G. VCF-style: chr3-122284884-T-G. GRCh37 (hg19) VCF-style: chr3-122003731-T-G.
Other names: c.2960T>G, p.Leu987Arg (NM_001178065.2); short protein forms L977R, L987R.
Identifiers: ClinVar variation 2451471 (VCV002451471.2), dbSNP rs2473282699, ClinGen allele CA354161081.

ClinVar aggregate classification (germline): Uncertain significance (1 of 4 stars; one submission).

Conditions:
Nephrolithiasis/nephrocalcinosis. Identifiers: MedGen CN580796.

Submission:

Ambry Genetics
Classification: Uncertain significance for Nephrolithiasis/nephrocalcinosis. Last evaluated: 2023-03-03. Review status: criteria provided, single submitter. Criteria: Ambry Variant Classification Scheme 2023. Collection method: clinical testing. Allele origin: germline.
Comment: The p.L977R variant (also known as c.2930T>G), located in coding exon 6 of the CASR gene, results from a T to G substitution at nucleotide position 2930. The leucine at codon 977 is replaced by arginine, an amino acid with dissimilar properties. This amino acid position is conserved. In addition, this alteration is predicted to be deleterious by in silico analysis. Since supporting evidence is limited at this time, the clinical significance of this alteration remains unclear.